The following is an entry in ClinVar:

NM_001384474.1(LOXHD1):c.734dup (p.Ser246fs)

Gene: LOXHD1 (lipoxygenase homology PLAT domains 1; minus strand). Cytogenetic location: 18q21.1.
Variant type: Duplication.
Coding change: c.734dup on transcript NM_001384474.1 (MANE Select); coding-DNA position 734, one base duplicated (G; older notation c.734dupG).
Protein change: p.Ser246fs; shifts the reading frame from serine 246.
Molecular consequence: frameshift variant.
Genome position (GRCh38, 1-based): chr18:46,610,801, C duplicated on the plus strand (G on the coding strand, the reverse complement: LOXHD1 is on the minus strand); the first of 6 consecutive C bases (chr18:46,610,801-46,610,806); duplicating any one gives the same sequence. VCF-style (leftmost placement, unchanged base first): chr18-46610800-G-GC. GRCh37 (hg19) VCF-style: chr18-44190763-G-GC.
Other names: c.734dup, p.Ser246fs (NM_144612.7); c.734dupG (NM_144612.6); c.734dup (NM_144612.6); short protein forms S246fs.
Identifiers: ClinVar variation 660612 (VCV000660612.8), dbSNP rs1468257550, ClinGen allele CA629504161.

ClinVar aggregate classification (germline): Pathogenic/Likely pathogenic. Review status: criteria provided, multiple submitters, no conflicts (2 of 4 stars). 2 submissions from 2 submitters: Pathogenic (1); Likely pathogenic (1). Last evaluated 2025-05-21.

Conditions:
Autosomal recessive nonsyndromic hearing loss 77. Identifiers: Orphanet 90636, MedGen C2746083, MONDO:0013119, OMIM 613079.

Submissions (2):

Natera, Inc.
Classification: Likely pathogenic for Autosomal recessive deafness type 77. Last evaluated: 2025-05-21. Review status: criteria provided, single submitter. Criteria: Natera Variant Classification Schema (03/2026). Collection method: clinical testing. Allele origin: germline.
Comment: The c.734dup variant in LOXHD1 is a frameshift variant predicted to shift the reading frame beginning at codon 246 and leads to a stop codon 12 codons downstream. This variant is expected to result in nonsense mediated decay, truncation, or a dysfunctional protein product. This variant is rare in the general population with a frequency below the threshold expected for the associated phenotype(s). Given the available evidence, this variant is classified as Likely Pathogenic.

Labcorp Genetics (formerly Invitae), Labcorp
Classification: Pathogenic. Last evaluated: 2023-02-24. Review status: criteria provided, single submitter. Criteria: Invitae Variant Classification Sherloc (09022015). Collection method: clinical testing. Allele origin: germline.
Comment: For these reasons, this variant has been classified as Pathogenic. ClinVar contains an entry for this variant (Variation ID: 660612). This variant has not been reported in the literature in individuals affected with LOXHD1-related conditions. This variant is not present in population databases (gnomAD no frequency). This sequence change creates a premature translational stop signal (p.Ser246Leufs*12) in the LOXHD1 gene. It is expected to result in an absent or disrupted protein product. Loss-of-function variants in LOXHD1 are known to be pathogenic (PMID: 19732867, 21465660, 25792669).

Literature cited by the submitters: PubMed 19732867 (cited by Labcorp Genetics (formerly Invitae), Labcorp); PubMed 21465660 (cited by Labcorp Genetics (formerly Invitae), Labcorp); PubMed 25792669 (cited by Labcorp Genetics (formerly Invitae), Labcorp).